The following is an entry in ClinVar:

NM_002335.4(LRP5):c.80C>G (p.Ala27Gly)

Gene: LRP5 (LDL receptor related protein 5; plus strand). Cytogenetic location: 11q13.2.
Variant type: single nucleotide variant.
Coding change: c.80C>G on transcript NM_002335.4 (MANE Select); coding-DNA position 80, C replaced by G.
Protein change: p.Ala27Gly; replaces alanine 27 with glycine.
Molecular consequence: missense variant. On other transcripts: 5 prime UTR variant (1).
Genome position (GRCh38, 1-based): chr11:68,312,794, C>G. VCF-style: chr11-68312794-C-G. GRCh37 (hg19) VCF-style: chr11-68080262-C-G.
Other names: c.-1686C>G (NM_001291902.2); short protein forms A27G.
Identifiers: ClinVar variation 1493262 (VCV001493262.6), dbSNP rs2153110234, ClinGen allele CA381607588.
Genomic context (GRCh38, chr11:68,312,794, plus strand): 5'-GGCCGCCGTGGCCGCTGCTGCTGCTGCTGCTGCTGCTGCTGGCGCTGTGCGGCTGCCCGG[C>G]CCCCGCCGCGGGTAGGTGGGCGCAGGCCGGCCGGGGGCCGCGGGTTGCTCGGACAATGGC-3'
Protein context (NP_002326.2, residues 17-37): LLLLALCGCP[Ala27Gly]PAAASPLLLF

ClinVar aggregate classification (germline): Uncertain significance (1 of 4 stars; one submission).

gnomAD v4.1: 2 of 1,077,434 alleles (0.00019%); highest among the groups gnomAD compares: Middle Eastern, 0.043%; no homozygotes.

Submission:

Labcorp Genetics (formerly Invitae), Labcorp
Classification: Uncertain significance. Last evaluated: 2023-06-14. Review status: criteria provided, single submitter. Criteria: Invitae Variant Classification Sherloc (09022015). Collection method: clinical testing. Allele origin: germline.
Comment: In summary, the available evidence is currently insufficient to determine the role of this variant in disease. Therefore, it has been classified as a Variant of Uncertain Significance. Advanced modeling of protein sequence and biophysical properties (such as structural, functional, and spatial information, amino acid conservation, physicochemical variation, residue mobility, and thermodynamic stability) performed at Invitae indicates that this missense variant is not expected to disrupt LRP5 protein function. ClinVar contains an entry for this variant (Variation ID: 1493262). This variant has not been reported in the literature in individuals affected with LRP5-related conditions. The frequency data for this variant in the population databases is considered unreliable, as metrics indicate insufficient coverage at this position in the gnomAD database. This sequence change replaces alanine, which is neutral and non-polar, with glycine, which is neutral and non-polar, at codon 27 of the LRP5 protein (p.Ala27Gly).